The following is an entry in ClinVar:

ClinVar aggregate classification (germline): Likely benign. Review status: criteria provided, multiple submitters, no conflicts (2 of 4 stars). 4 submissions from 4 submitters: Likely benign (4). Last evaluated 2026-02-10.

Conditions:
Hypokalemic periodic paralysis, type 1. Also called: HypoPP; Hypokalemic Periodic Paralysis Type 1 (AD). Identifiers: Orphanet 681, MedGen C3714580, MONDO:0042979, OMIM 170400.
Malignant hyperthermia, susceptibility to, 5 (MHS5). Also called: CACNA1S-Related Malignant Hyperthermia Susceptibility. Identifiers: Orphanet 423, MedGen C1866077, MONDO:0011163, OMIM 601887.

Allele frequency attached by ClinVar (database versions not stated): gnomAD exomes 0.00004; gnomAD 0.00012; TOPMed 0.00013; 1000 Genomes Project 30x 0.00062; 1000 Genomes Project 0.00080.
gnomAD v4.1: 49 of 1,581,720 alleles (0.0031%); highest among the groups gnomAD compares: African/African-American, 0.057%; no homozygotes.

Submissions (4):

Women's Health and Genetics/Laboratory Corporation of America, LabCorp
Classification: Likely benign. Last evaluated: 2026-02-10. Review status: criteria provided, single submitter. Criteria: LabCorp Variant Classification Summary - May 2015. Collection method: clinical testing. Allele origin: germline.

Labcorp Genetics (formerly Invitae), Labcorp
Classification: Likely benign for Hypokalemic periodic paralysis, type 1; Malignant hyperthermia, susceptibility to, 5. Last evaluated: 2025-11-28. Review status: criteria provided, single submitter. Criteria: Invitae Variant Classification Sherloc (09022015). Collection method: clinical testing. Allele origin: germline.

All of Us Research Program, National Institutes of Health
Classification: Likely benign for Malignant hyperthermia, susceptibility to, 5. Last evaluated: 2024-02-05. Review status: criteria provided, single submitter. Criteria: ACMG Guidelines, 2015. Collection method: clinical testing. Allele origin: germline. Inheritance: Autosomal dominant inheritance. Observed: 12 variant alleles, 12 heterozygotes.
Comment: This study involves interpretation of variants in research participants for the purpose of population health screening. Participant phenotype was not available at the time of variant classification. Additional details can be found in publication PMID: 35346344, PMCID: PMC8962531

Color Diagnostics, LLC DBA Color Health
Classification: Likely benign for Malignant hyperthermia, susceptibility to, 5. Last evaluated: 2022-11-06. Review status: criteria provided, single submitter. Criteria: ACMG Guidelines, 2015. Collection method: clinical testing. Allele origin: germline.

NM_000069.3(CACNA1S):c.2418G>A (p.Leu806=)

Gene: CACNA1S (calcium voltage-gated channel subunit alpha1 S; minus strand). Cytogenetic location: 1q32.1.
Variant type: single nucleotide variant.
Coding change: c.2418G>A on transcript NM_000069.3 (MANE Select); coding-DNA position 2418, G replaced by A.
Protein change: p.Leu806=; no amino-acid change (leucine 806 retained).
Molecular consequence: synonymous variant.
Genome position (GRCh38, 1-based): chr1:201,069,544, C>T on the plus strand (G>A on the coding strand, the complement: CACNA1S is on the minus strand). VCF-style: chr1-201069544-C-T. GRCh37 (hg19) VCF-style: chr1-201038672-C-T.
Identifiers: ClinVar variation 699375 (VCV000699375.12), dbSNP rs182634146, ClinGen allele CA078988.